The following is an entry in ClinVar:

ClinVar aggregate classification (germline): Uncertain significance (1 of 4 stars; one submission).

Allele frequency attached by ClinVar (database versions not stated): gnomAD 0.00001; gnomAD exomes 0.00001; ExAC 0.00002; TOPMed 0.00002; ESP Exome Variant Server 0.00008.
gnomAD v4.1: 22 of 1,613,854 alleles (0.0014%); highest among the groups gnomAD compares: South Asian, 0.0033%; no homozygotes.

Submission:

Labcorp Genetics (formerly Invitae), Labcorp
Classification: Uncertain significance. Last evaluated: 2026-01-12. Review status: criteria provided, single submitter. Criteria: Invitae Variant Classification Sherloc (09022015). Collection method: clinical testing. Allele origin: germline.
Comment: This sequence change replaces alanine, which is neutral and non-polar, with threonine, which is neutral and polar, at codon 1453 of the CACNA1E protein (p.Ala1453Thr). This variant is present in population databases (rs373070905, gnomAD 0.007%). This variant has not been reported in the literature in individuals affected with CACNA1E-related conditions. ClinVar contains an entry for this variant (Variation ID: 1369381). Invitae Evidence Modeling of protein sequence and biophysical properties (such as structural, functional, and spatial information, amino acid conservation, physicochemical variation, residue mobility, and thermodynamic stability) has been performed for this missense variant. However, the output from this modeling did not meet the statistical confidence thresholds required to predict the impact of this variant on CACNA1E protein function. In summary, the available evidence is currently insufficient to determine the role of this variant in disease. Therefore, it has been classified as a Variant of Uncertain Significance.

NM_001205293.3(CACNA1E):c.4357G>A (p.Ala1453Thr)

Gene: CACNA1E (calcium voltage-gated channel subunit alpha1 E; plus strand). Cytogenetic location: 1q25.3.
Variant type: single nucleotide variant.
Coding change: c.4357G>A on transcript NM_001205293.3 (MANE Select); coding-DNA position 4357, G replaced by A.
Protein change: p.Ala1453Thr; replaces alanine 1453 with threonine.
Molecular consequence: missense variant.
Genome position (GRCh38, 1-based): chr1:181,757,974, G>A. VCF-style: chr1-181757974-G-A. GRCh37 (hg19) VCF-style: chr1-181727110-G-A.
Other names: c.4357G>A, p.Ala1453Thr (NM_000721.4); c.4300G>A, p.Ala1434Thr (NM_001205294.2); short protein forms A1434T, A1453T.
Identifiers: ClinVar variation 1369381 (VCV001369381.6), dbSNP rs373070905, ClinGen allele CA1275830.